The following is an entry in ClinVar:

ClinVar aggregate classification (germline): Likely benign (0 of 4 stars; one submission).

Conditions:
MUC16-related disorder. Also called: MUC16-related condition.

Allele frequency attached by ClinVar (database versions not stated): 1000 Genomes Project 0.00080; 1000 Genomes Project 30x 0.21611; ExAC 0.49652.

Submission:

PreventionGenetics, part of Exact Sciences
Classification: Likely benign for MUC16-related condition. Last evaluated: 2020-07-31. Review status: no assertion criteria provided. Collection method: clinical testing. Allele origin: germline.
Comment: This variant is classified as likely benign based on ACMG/AMP sequence variant interpretation guidelines (Richards et al. 2015 PMID: 25741868, with internal and published modifications).

NM_001401501.2(MUC16):c.42838A>G (p.Asn14280Asp)

Gene: MUC16 (mucin 16, cell surface associated; minus strand). Cytogenetic location: 19p13.2.
Variant type: single nucleotide variant.
Coding change: c.42838A>G on transcript NM_001401501.2 (MANE Select); coding-DNA position 42838, A replaced by G.
Protein change: p.Asn14280Asp; replaces asparagine 14280 with aspartic acid.
Molecular consequence: missense variant.
Genome position (GRCh38, 1-based): chr19:8,891,828, T>C on the plus strand (A>G on the coding strand, the complement: MUC16 is on the minus strand). VCF-style: chr19-8891828-T-C. GRCh37 (hg19) VCF-style: chr19-9002504-T-C.
Other names: c.43264A>G, p.Asn14422Asp (NM_001414686.1); c.42718A>G, p.Asn14240Asp (NM_001414687.1); c.40312A>G, p.Asn13438Asp (NM_024690.2); short protein forms N13438D, N14240D, N14280D, N14422D.
Identifiers: ClinVar variation 3060239 (VCV003060239.2), dbSNP rs78327556, ClinGen allele CA9163467.